The following is an entry in ClinVar:

NM_001267550.2(TTN):c.103829G>A (p.Arg34610His)

Genes: TTN (titin; minus strand), TTN-AS1 (TTN antisense RNA 1; plus strand). Cytogenetic location: 2q31.2.
Variant type: single nucleotide variant.
Coding change: c.103829G>A on transcript NM_001267550.2 (MANE Select); coding-DNA position 103829, G replaced by A.
Protein change: p.Arg34610His; replaces arginine 34610 with histidine.
Molecular consequence: missense variant.
Genome position (GRCh38, 1-based): chr2:178,532,786, C>T on the plus strand (G>A on the coding strand, the complement: TTN is on the minus strand). VCF-style: chr2-178532786-C-T. GRCh37 (hg19) VCF-style: chr2-179397513-C-T.
Other names: c.98906G>A, p.Arg32969His (NM_001256850.1); c.76634G>A, p.Arg25545His (NM_003319.4); c.96125G>A, p.Arg32042His (NM_133378.4); c.77009G>A, p.Arg25670His (NM_133432.3); c.77210G>A, p.Arg25737His (NM_133437.4); short protein forms R25737H, R32042H, R25670H, R25545H, R34610H, R32969H.
Identifiers: ClinVar variation 666944 (VCV000666944.10), dbSNP rs550047610, ClinGen allele CA60956765.

ClinVar aggregate classification (germline): Uncertain significance. Review status: criteria provided, multiple submitters, no conflicts (2 of 4 stars). 3 submissions from 3 submitters: Uncertain significance (3). Last evaluated 2025-09-16.

Conditions:
Autosomal recessive limb-girdle muscular dystrophy type 2J (LGMDR10). Also called: Limb-girdle muscular dystrophy, type 2J; MUSCULAR DYSTROPHY, LIMB-GIRDLE, AUTOSOMAL RECESSIVE 10. Identifiers: Orphanet 140922, MedGen C1837342, MONDO:0012127, OMIM 608807.
Dilated cardiomyopathy 1G (CMD1G). Identifiers: Orphanet 154, MedGen C1858763, MONDO:0011400, OMIM 604145.
Tibial muscular dystrophy (TMD). Also called: Udd Distal Myopathy – Tibial Muscular Dystrophy; Tibial muscular dystrophy, tardive; UDD MYOPATHY. Identifiers: Orphanet 609, MedGen C1838244, MONDO:0010870, OMIM 600334.
Myopathy, myofibrillar, 9, with early respiratory failure (MFM9). Also called: Hereditary myopathy with early respiratory failure; EDSTROM MYOPATHY; MYOPATHY, PROXIMAL, WITH EARLY RESPIRATORY MUSCLE INVOLVEMENT; Myopathy, distal, with early respiratory failure, autosomal dominant. Identifiers: Orphanet 178464, Orphanet 34521, MedGen C1863599, MONDO:0011362, OMIM 603689.
Hypertrophic cardiomyopathy 9. Also called: Familial hypertrophic cardiomyopathy 9. Identifiers: MedGen C1861065, MONDO:0013412, OMIM 613765.
Early-onset myopathy with fatal cardiomyopathy (CMYO5). Also called: Salih Myopathy; CONGENITAL MYOPATHY 5 WITH CARDIOMYOPATHY. Identifiers: Orphanet 289377, MedGen C2673677, MONDO:0012714, OMIM 611705. Disease mechanism: loss of function.

Allele frequency attached by ClinVar (database versions not stated): gnomAD exomes 0.00002; gnomAD 0.00003; 1000 Genomes Project 30x 0.00016; 1000 Genomes Project 0.00020.
gnomAD v4.1: 26 of 1,613,878 alleles (0.0016%); highest among the groups gnomAD compares: South Asian, 0.016%; no homozygotes.

Submissions (3):

Labcorp Genetics (formerly Invitae), Labcorp
Classification: Uncertain significance for Dilated cardiomyopathy 1G; Autosomal recessive limb-girdle muscular dystrophy type 2J. Last evaluated: 2025-09-16. Review status: criteria provided, single submitter. Criteria: Invitae Variant Classification Sherloc (09022015). Collection method: clinical testing. Allele origin: germline.
Comment: This sequence change replaces arginine, which is basic and polar, with histidine, which is basic and polar, at codon 34610 of the TTN protein (p.Arg34610His). This variant is present in population databases (rs550047610, gnomAD 0.01%). This variant has not been reported in the literature in individuals affected with TTN-related conditions. ClinVar contains an entry for this variant (Variation ID: 666944). Experimental studies and prediction algorithms are not available or were not evaluated, and the functional significance of this variant is currently unknown. This variant is located in the M band of TTN (PMID: 25589632). Non-truncating variants in this region may be relevant for neuromuscular disorders, but have not been definitively shown to cause cardiomyopathy (PMID: 23975875). In summary, the available evidence is currently insufficient to determine the role of this variant in disease. Therefore, it has been classified as a Variant of Uncertain Significance.

Fulgent Genetics
Classification: Uncertain significance for Tibial muscular dystrophy; Myopathy, myofibrillar, 9, with early respiratory failure; Dilated cardiomyopathy 1G; Autosomal recessive limb-girdle muscular dystrophy type 2J; Early-onset myopathy with fatal cardiomyopathy; Hypertrophic cardiomyopathy 9. Last evaluated: 2021-12-30. Review status: criteria provided, single submitter. Criteria: ACMG Guidelines, 2015. Collection method: clinical testing. Allele origin: unknown.

Laboratory for Molecular Medicine, Mass General Brigham Personalized Medicine
Classification: Uncertain significance. Last evaluated: 2018-08-27. Review status: criteria provided, single submitter. Criteria: LMM Criteria. Collection method: clinical testing. Allele origin: germline. Observed: 1 variant allele.
Comment: The p.Arg32042His variant in TTN has not been previously reported in individuals with cardiomyopathy, but has been identified in 0.01% (3/30782) of South Asian chromosomes by the Genome Aggregation Database (gnomAD). Computational prediction tools and conservation analysis suggest that the variant may impact the protein, though this information is not predictive e nough to determine pathogenicity. In summary, the clinical significance of the p .Arg32042His variant is uncertain. ACMG/AMP Criteria applied: PP3.

Literature cited by the submitters: PubMed 25589632 (cited by Labcorp Genetics (formerly Invitae), Labcorp); PubMed 23975875 (cited by Labcorp Genetics (formerly Invitae), Labcorp).